The following is an entry in ClinVar:

NM_015338.6(ASXL1):c.2644C>T (p.Gln882Ter)

Gene: ASXL1 (ASXL transcriptional regulator 1; plus strand). Cytogenetic location: 20q11.21.
Variant type: single nucleotide variant.
Coding change: c.2644C>T on transcript NM_015338.6 (MANE Select); coding-DNA position 2644, C replaced by T.
Protein change: p.Gln882Ter; replaces glutamine 882 with a stop codon.
Molecular consequence: nonsense.
Genome position (GRCh38, 1-based): chr20:32,435,356, C>T. VCF-style: chr20-32435356-C-T. GRCh37 (hg19) VCF-style: chr20-31023159-C-T.
Other names: c.2461C>T, p.Gln821Ter (NM_001363734.1); short protein forms Q821*, Q882*.
Identifiers: ClinVar variation 3069100 (VCV003069100.2), dbSNP rs770209084, ClinGen allele CA9808674.

ClinVar aggregate classification (germline): Pathogenic (1 of 4 stars; one submission).

Conditions:
Bohring-Opitz syndrome. Also called: C-LIKE SYNDROME; BOHRING SYNDROME; OPITZ TRIGONOCEPHALY-LIKE SYNDROME; ASXL1-Related Bohring-Opitz Syndrome. Identifiers: Orphanet 97297, MedGen C0796232, MONDO:0011510, OMIM 605039.

Allele frequency attached by ClinVar (database versions not stated): gnomAD exomes below 0.00001; gnomAD 0.00001; ExAC 0.00002.
gnomAD v4.1: 4 of 1,614,038 alleles (0.00025%); highest among the groups gnomAD compares: Admixed American, 0.0017%; no homozygotes.

Submission:

Women's Health and Genetics/Laboratory Corporation of America, LabCorp
Classification: Pathogenic for Bohring-Opitz syndrome. Last evaluated: 2024-02-23. Review status: criteria provided, single submitter. Criteria: LabCorp Variant Classification Summary - May 2015. Collection method: clinical testing. Allele origin: germline.
Comment: Variant summary: ASXL1 c.2644C>T (p.Gln882X) results in a premature termination codon, predicted to cause a truncation of the encoded protein, although it is not expected to result in nonsense mediated decay. At least one truncating variant downstream of this position has been classified as pathogenic. The variant allele was found at a frequency of 8e-06 in 251474 control chromosomes (gnomAD). To our knowledge, no occurrence of c.2644C>T in individuals affected with Bohring-Opitz Syndrome and no experimental evidence demonstrating its impact on protein function have been reported. No submitters have cited clinical-significance assessments for this variant to ClinVar. Based on the evidence outlined above, the variant was classified as pathogenic.